The following is an entry in ClinVar:

ClinVar aggregate classification (germline): Likely pathogenic. Review status: criteria provided, single submitter (1 of 4 stars). 2 submissions from 2 submitters: Likely pathogenic (1). 1 of the submissions does not count toward it. Last evaluated 2023-06-09.

Conditions:
Gaucher disease due to saposin C deficiency. Also called: Atypical Gaucher disease due to saposin C deficiency; Saposin C Deficiency. Identifiers: Orphanet 309252, Orphanet 355, MedGen C1864651, MONDO:0012517, OMIM 610539.
Metachromatic leukodystrophy (MLD). Also called: ARSA DEFICIENCY; CEREBROSIDE SULFATASE DEFICIENCY; SULFATIDE LIPIDOSIS; METACHROMATIC LEUKOENCEPHALOPATHY; Cerebral sclerosis diffuse metachromatic form; Arylsulfatase A Deficiency. Identifiers: Orphanet 512, MedGen C0023522, MONDO:0018868, OMIM 250100.

Submissions (2):

Women's Health and Genetics/Laboratory Corporation of America, LabCorp
Classification: Likely pathogenic for Metachromatic leukodystrophy. Last evaluated: 2023-06-09. Review status: criteria provided, single submitter. Criteria: LabCorp Variant Classification Summary - May 2015. Collection method: clinical testing. Allele origin: germline.
Comment: Variant summary: PSAP c.1046T>C (p.Leu349Pro) results in a non-conservative amino acid change located in the Saposin-like type B, region 1 domain (IPR007856) of the encoded protein sequence. Five of five in-silico tools predict a damaging effect of the variant on protein function. The variant was absent in 251204 control chromosomes. c.1046T>C has been reported in the literature in adult compound heterozygous individuals affected with Gaucher disease with saposin C deficiency, including two affected siblings from the same family (example: Tylki-Syzmanska_2007, DAmore_2021). At least one publication reports experimental evidence evaluating an impact on protein function. The most pronounced variant effect results in ~50%-90% of normal activity, with results suggestive of a mild disease course (example: Motta_2014). The following publications have been ascertained in the context of this evaluation (PMID: 34649574, 24925315, 17919309, 20484222). No clinical diagnostic laboratories have submitted clinical-significance assessments for this variant to ClinVar after 2014. Based on the evidence outlined above, the variant was classified as likely pathogenic.

OMIM
Classification: Pathogenic for GAUCHER DISEASE, ATYPICAL, DUE TO SAPOSIN C DEFICIENCY. Last evaluated: 2007-12-01. Review status: no assertion criteria provided. Collection method: literature only. Allele origin: germline. Not counted in ClinVar's aggregate classification.

Literature cited by the submitters: PubMed 34649574 (cited by Women's Health and Genetics/Laboratory Corporation of America, LabCorp); PubMed 20484222 (cited by Women's Health and Genetics/Laboratory Corporation of America, LabCorp); PubMed 24925315 (cited by Women's Health and Genetics/Laboratory Corporation of America, LabCorp); PubMed 17919309 (cited by Women's Health and Genetics/Laboratory Corporation of America, LabCorp); Tylki-Szymanska, A., Czartoryska, B., Vanier, M.-T., Poorthuis, B. J. M. H., Groener, J. A. E., Lugowska, A., Millat, G., Vaccaro, A. M., Jurkiewicz, E. Non-neuronopathic Gaucher disease due to saposin C deficiency. Clin. Genet. 72: 538-542, 2007. (cited by OMIM).

NM_002778.4(PSAP):c.1046T>C (p.Leu349Pro)

Gene: PSAP (prosaposin; minus strand). Cytogenetic location: 10q22.1.
Variant type: single nucleotide variant.
Coding change: c.1046T>C on transcript NM_002778.4 (MANE Select); coding-DNA position 1046, T replaced by C.
Protein change: p.Leu349Pro; replaces leucine 349 with proline.
Molecular consequence: missense variant.
Genome position (GRCh38, 1-based): chr10:71,819,860, A>G on the plus strand (T>C on the coding strand, the complement: PSAP is on the minus strand). VCF-style: chr10-71819860-A-G. GRCh37 (hg19) VCF-style: chr10-73579617-A-G.
Other names: c.1055T>C, p.Leu352Pro (NM_001042465.3); c.1052T>C, p.Leu351Pro (NM_001042466.3); c.1046T>C (NM_002778.3); short protein forms L349P, L352P, L351P.
Identifiers: ClinVar variation 13372 (VCV000013372.4), dbSNP rs121918110, ClinGen allele CA123069.